The following is an entry in ClinVar:

NM_001457.4(FLNB):c.1351_1370del (p.Asn451fs)

Gene: FLNB (filamin B; plus strand). Cytogenetic location: 3p14.3.
Variant type: Deletion.
Coding change: c.1351_1370del on transcript NM_001457.4 (MANE Select); coding-DNA positions 1351 to 1370, 20 bases deleted (AATCCAAATGCCTGCCGGGC).
Protein change: p.Asn451fs; shifts the reading frame from asparagine 451.
Molecular consequence: frameshift variant.
Genome position (GRCh38, 1-based): chr3:58,102,208-58,102,227, AATCCAAATGCCTGCCGGGC deleted; deleting any 20 consecutive bases within chr3:58,102,206-58,102,227 gives the same sequence; the c. name uses the placement nearest the transcript's 3' end. VCF-style (leftmost placement, unchanged base first): chr3-58102205-TGCAATCCAAATGCCTGCCGG-T. GRCh37 (hg19) VCF-style: chr3-58087932-TGCAATCCAAATGCCTGCCGG-T.
Other names: c.1351_1370del, p.Asn451fs (NM_001164317.2, NM_001164318.2, NM_001164319.2); short protein forms N451fs.
Identifiers: ClinVar variation 2696954 (VCV002696954.3), dbSNP rs2471064085, ClinGen allele CA2697556737.

ClinVar aggregate classification (germline): Pathogenic (1 of 4 stars; one submission).

Submission:

Labcorp Genetics (formerly Invitae), Labcorp
Classification: Pathogenic. Last evaluated: 2023-11-18. Review status: criteria provided, single submitter. Criteria: Invitae Variant Classification Sherloc (09022015). Collection method: clinical testing. Allele origin: germline.
Comment: This sequence change creates a premature translational stop signal (p.Asn451Glnfs*21) in the FLNB gene. It is expected to result in an absent or disrupted protein product. Loss-of-function variants in FLNB are known to be pathogenic (PMID: 14991055). This variant is not present in population databases (gnomAD no frequency). This variant has not been reported in the literature in individuals affected with FLNB-related conditions. For these reasons, this variant has been classified as Pathogenic.

Literature cited by the submitters: PubMed 14991055.